The following is an entry in ClinVar:

ClinVar aggregate classification (germline): Uncertain significance (1 of 4 stars; one submission).

Conditions:
Familial thoracic aortic aneurysm and aortic dissection (TAAD). Also called: Thoracic aortic aneurysms and dissections. Identifiers: Orphanet 91387, MedGen C4707243, MONDO:0019625.

Submission:

Ambry Genetics
Classification: Uncertain significance for Familial thoracic aortic aneurysm and aortic dissection. Last evaluated: 2024-12-16. Review status: criteria provided, single submitter. Criteria: Ambry Variant Classification Scheme 2023. Collection method: clinical testing. Allele origin: germline.
Comment: The p.A171T variant (also known as c.511G>A), located in coding exon 2 of the SLC2A10 gene, results from a G to A substitution at nucleotide position 511. The alanine at codon 171 is replaced by threonine, an amino acid with similar properties. This amino acid position is well conserved in available vertebrate species. In addition, the in silico prediction for this alteration is inconclusive. Based on the available evidence, the clinical significance of this variant remains unclear.

NM_030777.4(SLC2A10):c.511G>A (p.Ala171Thr)

Gene: SLC2A10 (solute carrier family 2 member 10; plus strand). Cytogenetic location: 20q13.12.
Variant type: single nucleotide variant.
Coding change: c.511G>A on transcript NM_030777.4 (MANE Select); coding-DNA position 511, G replaced by A.
Protein change: p.Ala171Thr; replaces alanine 171 with threonine.
Molecular consequence: missense variant.
Genome position (GRCh38, 1-based): chr20:46,725,547, G>A. VCF-style: chr20-46725547-G-A. GRCh37 (hg19) VCF-style: chr20-45354186-G-A.
Other names: short protein forms A171T.
Identifiers: ClinVar variation 3797352 (VCV003797352.1).
Genomic context (GRCh38, chr20:46,725,547, plus strand): 5'-TATGCCCTCAACTATGCACTGGCTGGTACCCCCTGGGGATGGAGGCACATGTTCGGCTGG[G>A]CCACTGCACCTGCTGTCCTGCAATCCCTCAGCCTCCTCTTCCTCCCTGCTGGTACAGATG-3'
Protein context (NP_110404.1, residues 161-181): PWGWRHMFGW[Ala171Thr]TAPAVLQSLS